The following is an entry in ClinVar:

NM_000222.3(KIT):c.1991-5T>A

Gene: KIT (KIT proto-oncogene, receptor tyrosine kinase; plus strand). Cytogenetic location: 4q12.
Variant type: single nucleotide variant.
Coding change: c.1991-5T>A on transcript NM_000222.3 (MANE Select); 5 bases into the intron before coding-DNA position 1991, T replaced by A.
Molecular consequence: intron variant.
Genome position (GRCh38, 1-based): chr4:54,729,330, T>A. VCF-style: chr4-54729330-T-A. GRCh37 (hg19) VCF-style: chr4-55595496-T-A.
Other names: c.1994-5T>A (NM_001385284.1, NM_001385290.1); c.1982-5T>A (NM_001385288.1, NM_001385292.1); c.1991-5T>A (NM_001385285.1); c.1979-5T>A (NM_001093772.2, NM_001385286.1).
Identifiers: ClinVar variation 858678 (VCV000858678.10), dbSNP rs1560419281, ClinGen allele CA916081453.
Genomic context (GRCh38, chr4:54,729,330, plus strand): 5'-TTATGGGAGGCAGAATTAATCTATATATCTCACCTTCTTTCTAACCTTTTCTTATGTGCT[T>A]TTAGGGCCCACCCTGGTCATTACAGAATATTGTTGCTATGGTGATCTTTTGAATTTTTTG-3'

ClinVar aggregate classification (germline): Uncertain significance (1 of 4 stars; one submission).

Conditions:
Gastrointestinal stromal tumor. Also called: Gastrointestinal stromal tumor, somatic; Gastrointestinal stroma tumor. Identifiers: Orphanet 44890, MedGen C0238198, MeSH D046152, MONDO:0011719, OMIM 606764, HP:0100723.

Submission:

Labcorp Genetics (formerly Invitae), Labcorp
Classification: Uncertain significance for Gastrointestinal stromal tumor. Last evaluated: 2024-04-08. Review status: criteria provided, single submitter. Criteria: Invitae Variant Classification Sherloc (09022015). Collection method: clinical testing. Allele origin: germline.
Comment: This sequence change falls in intron 13 of the KIT gene. It does not directly change the encoded amino acid sequence of the KIT protein. This variant is not present in population databases (gnomAD no frequency). This variant has not been reported in the literature in individuals affected with KIT-related conditions. ClinVar contains an entry for this variant (Variation ID: 858678). Algorithms developed to predict the effect of sequence changes on RNA splicing suggest that this variant may disrupt the consensus splice site. In summary, the available evidence is currently insufficient to determine the role of this variant in disease. Therefore, it has been classified as a Variant of Uncertain Significance.